The following is an entry in ClinVar:

NC_000023.11:g.18646059_18646060delinsTA

Genes: CDKL5 (cyclin dependent kinase like 5; plus strand), RS1 (retinoschisin 1; minus strand). Cytogenetic location: Xp22.13.
Variant type: Indel.
Molecular consequence: intron variant (on NM_000330.4). On other transcripts: missense variant (2).
Genome position: GRCh38 VCF-style: chrX-18646059-AC-TA. GRCh37 (hg19) VCF-style: chrX-18664179-AC-TA.
Other names: c.2766_2767delinsTA, p.Arg922_Arg923delinsSerSer (NM_001037343.2, NM_003159.3); c.326+1131_326+1132delinsTA (NM_000330.4).
Identifiers: ClinVar variation 1475155 (VCV001475155.9), dbSNP rs2147192668, ClinGen allele CA2573158466.

ClinVar aggregate classification (germline): Uncertain significance (1 of 4 stars; one submission).

Conditions:
Developmental and epileptic encephalopathy, 2 (DEE2). Also called: INFANTILE SPASM SYNDROME, X-LINKED 2; CDKL5 deficiency disorder. Identifiers: Orphanet 1934, Orphanet 3451, Orphanet 505652, MedGen C4750718, MONDO:0010396, OMIM 300672.
Angelman syndrome-like. Identifiers: MedGen CN128785.

Submission:

Labcorp Genetics (formerly Invitae), Labcorp
Classification: Uncertain significance for Developmental and epileptic encephalopathy, 2; Angelman syndrome-like. Last evaluated: 2025-09-02. Review status: criteria provided, single submitter. Criteria: Invitae Variant Classification Sherloc (09022015). Collection method: clinical testing. Allele origin: germline.
Comment: This variant, c.2766_2767delinsTA, is a complex sequence change that results in the deletion of 2 and insertion of 2 amino acid(s) in the CDKL5 protein (p.Arg922_Arg923delinsSerSer). Information on the frequency of this variant in the gnomAD database is not available, as this variant may be reported differently in the database. This variant has not been reported in the literature in individuals affected with CDKL5-related conditions. ClinVar contains an entry for this variant (Variation ID: 1475155). Experimental studies and prediction algorithms are not available or were not evaluated, and the functional significance of this variant is currently unknown. In summary, the available evidence is currently insufficient to determine the role of this variant in disease. Therefore, it has been classified as a Variant of Uncertain Significance.